The following is an entry in ClinVar:

ClinVar aggregate classification (germline): Benign (1 of 4 stars; one submission).

Allele frequency attached by ClinVar (database versions not stated): gnomAD 0.05297; TOPMed 0.05679; 1000 Genomes Project 0.07029; 1000 Genomes Project 30x 0.07448.
gnomAD v4.1: 17,653 of 590,868 alleles (3%); highest among the groups gnomAD compares: African/African-American, 14%; 776 homozygotes.

Submission:

GeneDx
Classification: Benign. Last evaluated: 2018-06-14. Review status: criteria provided, single submitter. Criteria: GeneDx Variant Classification (06012015). Collection method: clinical testing. Allele origin: germline. Affected: yes.
Comment: This variant is considered likely benign or benign based on one or more of the following criteria: it is a conservative change, it occurs at a poorly conserved position in the protein, it is predicted to be benign by multiple in silico algorithms, and/or has population frequency not consistent with disease.

NM_002489.4(NDUFA4):c.131+161T>C

Gene: NDUFA4 (NDUFA4 mitochondrial complex associated; minus strand). Cytogenetic location: 7p21.3.
Variant type: single nucleotide variant.
Coding change: c.131+161T>C on transcript NM_002489.4 (MANE Select); 161 bases into the intron after coding-DNA position 131, T replaced by C.
Molecular consequence: intron variant.
Genome position (GRCh38, 1-based): chr7:10,938,647, A>G on the plus strand (T>C on the coding strand, the complement: NDUFA4 is on the minus strand). VCF-style: chr7-10938647-A-G. GRCh37 (hg19) VCF-style: chr7-10978274-A-G.
Identifiers: ClinVar variation 682709 (VCV000682709.1), dbSNP rs10272132, ClinGen allele CA153884815.